The following is an entry in ClinVar:

NM_016156.6(MTMR2):c.805-8dup

Gene: MTMR2 (myotubularin related protein 2; minus strand). Cytogenetic location: 11q21.
Variant type: Duplication.
Coding change: c.805-8dup on transcript NM_016156.6 (MANE Select); 8 bases into the intron before coding-DNA position 805, one base duplicated (T; older notation c.805-8dupT).
Molecular consequence: intron variant.
Genome position (GRCh38, 1-based): chr11:95,849,870, A duplicated on the plus strand (T on the coding strand, the reverse complement: MTMR2 is on the minus strand). VCF-style (leftmost placement, unchanged base first): chr11-95849869-G-GA. GRCh37 (hg19) VCF-style: chr11-95583033-G-GA.
Other names: c.589-8dup (NM_001440635.1, NM_001440636.1, NM_201281.3 and 11 more transcripts); c.619-8dup (NM_001440649.1); c.721-8dup (NM_001440647.1); c.804+730dup (NM_001440651.1); c.805-8dup (NM_001440650.1, NM_001440648.1); c.457-8dup (NM_001440642.1); c.403-8dup (NM_001440643.1).
Identifiers: ClinVar variation 4980461 (VCV004980461.1).

ClinVar aggregate classification (germline): Likely benign (1 of 4 stars; one submission).

Conditions:
MTMR2-related disorder. Also called: MTMR2-related condition.

Submission:

PreventionGenetics, part of Exact Sciences
Classification: Likely benign for MTMR2-related condition. Last evaluated: 2025-03-27. Review status: criteria provided, single submitter. Criteria: ACMG Guidelines, 2015. Collection method: clinical testing. Allele origin: germline.
Comment: This variant is classified as likely benign based on ACMG/AMP sequence variant interpretation guidelines (Richards et al. 2015 PMID: 25741868, with internal and published modifications).